The following is an entry in ClinVar:

ClinVar aggregate classification (germline): Uncertain significance (1 of 4 stars; one submission).

Conditions:
Compton-North congenital myopathy (CMYO12). Identifiers: Orphanet 210163, MedGen C2675527, MONDO:0012929, OMIM 612540.

Allele frequency attached by ClinVar (database versions not stated): ExAC 0.00002; gnomAD exomes 0.00002; TOPMed 0.00002.
gnomAD v4.1: 25 of 1,614,056 alleles (0.0015%); highest among the groups gnomAD compares: Non-Finnish European, 0.002%; no homozygotes.

Submission:

Labcorp Genetics (formerly Invitae), Labcorp
Classification: Uncertain significance for Compton-North congenital myopathy. Last evaluated: 2024-02-05. Review status: criteria provided, single submitter. Criteria: Invitae Variant Classification Sherloc (09022015). Collection method: clinical testing. Allele origin: germline.
Comment: This sequence change replaces isoleucine, which is neutral and non-polar, with valine, which is neutral and non-polar, at codon 966 of the CNTN1 protein (p.Ile966Val). This variant is present in population databases (rs780538212, gnomAD 0.01%). This variant has not been reported in the literature in individuals affected with CNTN1-related conditions. ClinVar contains an entry for this variant (Variation ID: 2141534). Advanced modeling of protein sequence and biophysical properties (such as structural, functional, and spatial information, amino acid conservation, physicochemical variation, residue mobility, and thermodynamic stability) performed at Invitae indicates that this missense variant is not expected to disrupt CNTN1 protein function with a negative predictive value of 95%. In summary, the available evidence is currently insufficient to determine the role of this variant in disease. Therefore, it has been classified as a Variant of Uncertain Significance.

NM_001843.4(CNTN1):c.2896A>G (p.Ile966Val)

Gene: CNTN1 (contactin 1; plus strand). Cytogenetic location: 12q12.
Variant type: single nucleotide variant.
Coding change: c.2896A>G on transcript NM_001843.4 (MANE Select); coding-DNA position 2896, A replaced by G.
Protein change: p.Ile966Val; replaces isoleucine 966 with valine.
Molecular consequence: missense variant.
Genome position (GRCh38, 1-based): chr12:41,029,135, A>G. VCF-style: chr12-41029135-A-G. GRCh37 (hg19) VCF-style: chr12-41422937-A-G.
Other names: c.2863A>G, p.Ile955Val (NM_175038.2); short protein forms I955V, I966V.
Identifiers: ClinVar variation 2141534 (VCV002141534.3), dbSNP rs780538212, ClinGen allele CA6517261.